The following is an entry in ClinVar:

NM_020338.4(ZMIZ1):c.1151G>A (p.Arg384Gln)

Gene: ZMIZ1 (zinc finger MIZ-type containing 1; plus strand). Cytogenetic location: 10q22.3.
Variant type: single nucleotide variant.
Coding change: c.1151G>A on transcript NM_020338.4 (MANE Select); coding-DNA position 1151, G replaced by A.
Protein change: p.Arg384Gln; replaces arginine 384 with glutamine.
Molecular consequence: missense variant.
Genome position (GRCh38, 1-based): chr10:79,293,574, G>A. VCF-style: chr10-79293574-G-A. GRCh37 (hg19) VCF-style: chr10-81053331-G-A.
Other names: short protein forms R384Q.
Identifiers: ClinVar variation 4885576 (VCV004885576.2).
Genomic context (GRCh38, chr10:79,293,574, plus strand): 5'-CCATGGGCATGAACCAGCCCCGGCCGCCCGGCATCAGCCCCTTTGGCACACACGGGCAGC[G>A]GATGCCCCAGCAGACCTACCCGGGCCCCCGGCCCCAGTCCCTTCCTATTCAGAACATAAA-3'
Protein context (NP_065071.1, residues 374-394): GISPFGTHGQ[Arg384Gln]MPQQTYPGPR

ClinVar aggregate classification (germline): Uncertain significance (1 of 4 stars; one submission).

gnomAD v4.1: 12 of 1,613,022 alleles (0.00074%); highest among the groups gnomAD compares: African/African-American, 0.0027%; no homozygotes.

Submission:

Dasa
Classification: Uncertain significance. Last evaluated: 2025-10-28. Review status: criteria provided, single submitter. Criteria: DASA Assertion Criteria. Collection method: clinical testing. Allele origin: germline.
Comment: NM_020338.4(ZMIZ1):c.1151G>A (p.Arg384Gln) is a missense variant that results in the substitution of arginine with glutamine. This variant is rare in population databases. The currently available literature and clinical evidence are not sufficient to establish a definitive association between this variant and the reported condition. Therefore, this variant is classified as a variant of uncertain significance.